The following is an entry in ClinVar:

NM_004104.5(FASN):c.5393C>T (p.Ala1798Val)

Gene: FASN (fatty acid synthase; minus strand). Cytogenetic location: 17q25.3.
Variant type: single nucleotide variant.
Coding change: c.5393C>T on transcript NM_004104.5 (MANE Select); coding-DNA position 5393, C replaced by T.
Protein change: p.Ala1798Val; replaces alanine 1798 with valine.
Molecular consequence: missense variant.
Genome position (GRCh38, 1-based): chr17:82,083,374, G>A on the plus strand (C>T on the coding strand, the complement: FASN is on the minus strand). VCF-style: chr17-82083374-G-A. GRCh37 (hg19) VCF-style: chr17-80041250-G-A.
Other names: short protein forms A1798V.
Identifiers: ClinVar variation 933999 (VCV000933999.9), dbSNP rs376251096, ClinGen allele CA8851704.

ClinVar aggregate classification (germline): Uncertain significance (1 of 4 stars; one submission).

Conditions:
Epileptic encephalopathy. Identifiers: MedGen C0543888, HP:0200134.

Allele frequency attached by ClinVar (database versions not stated): gnomAD exomes 0.00003 and 0.00007; ExAC 0.00008; TOPMed 0.00008; ESP Exome Variant Server 0.00023.
gnomAD v4.1: 62 of 1,612,668 alleles (0.0038%); highest among the groups gnomAD compares: Admixed American, 0.01%; no homozygotes.

Submission:

Labcorp Genetics (formerly Invitae), Labcorp
Classification: Uncertain significance for Epileptic encephalopathy. Last evaluated: 2026-01-26. Review status: criteria provided, single submitter. Criteria: Invitae Variant Classification Sherloc (09022015). Collection method: clinical testing. Allele origin: germline.
Comment: This sequence change replaces alanine, which is neutral and non-polar, with valine, which is neutral and non-polar, at codon 1798 of the FASN protein (p.Ala1798Val). This variant is present in population databases (rs376251096, gnomAD 0.03%). This variant has not been reported in the literature in individuals affected with FASN-related conditions. ClinVar contains an entry for this variant (Variation ID: 933999). An algorithm developed to predict the effect of missense changes on protein structure and function (PolyPhen-2) suggests that this variant is likely to be disruptive. In summary, the available evidence is currently insufficient to determine the role of this variant in disease. Therefore, it has been classified as a Variant of Uncertain Significance.